The following is an entry in ClinVar:

ClinVar aggregate classification (germline): Uncertain significance (1 of 4 stars; one submission).

Conditions:
Hereditary pancreatitis (PCTT). Also called: Hereditary chronic pancreatitis; PRSS1-Related Hereditary Pancreatitis. Identifiers: Orphanet 676, MedGen C0238339, MONDO:0008185, OMIM 167800.

Submission:

Ambry Genetics
Classification: Uncertain significance for Hereditary pancreatitis. Last evaluated: 2023-03-13. Review status: criteria provided, single submitter. Criteria: Ambry Variant Classification Scheme 2023. Collection method: clinical testing. Allele origin: germline.
Comment: The p.V30A variant (also known as c.89T>C), located in coding exon 2 of the CTRC gene, results from a T to C substitution at nucleotide position 89. The valine at codon 30 is replaced by alanine, an amino acid with similar properties. This amino acid position is conserved. In addition, this alteration is predicted to be deleterious by in silico analysis. Since supporting evidence is limited at this time, the clinical significance of this alteration remains unclear.

NM_007272.3(CTRC):c.89T>C (p.Val30Ala)

Gene: CTRC (chymotrypsin C; plus strand). Cytogenetic location: 1p36.21.
Variant type: single nucleotide variant.
Coding change: c.89T>C on transcript NM_007272.3 (MANE Select); coding-DNA position 89, T replaced by C.
Protein change: p.Val30Ala; replaces valine 30 with alanine.
Molecular consequence: missense variant.
Genome position (GRCh38, 1-based): chr1:15,440,348, T>C. VCF-style: chr1-15440348-T-C. GRCh37 (hg19) VCF-style: chr1-15766844-T-C.
Other names: short protein forms V30A.
Identifiers: ClinVar variation 2497347 (VCV002497347.2), dbSNP rs2526289507, ClinGen allele CA338564605.
Genomic context (GRCh38, chr1:15,440,348, plus strand): 5'-CTGTCTCCCCAGCCTCCAGCTGTGGGGTGCCCAGCTTCCCGCCCAACCTATCCGCCCGAG[T>C]GGTGGGAGGAGAGGATGCCCGGCCCCACAGCTGGCCCTGGCAGGTAAGCCTGTGTAGGGC-3'
Protein context (NP_009203.2, residues 20-40): PSFPPNLSAR[Val30Ala]VGGEDARPHS